The following is an entry in ClinVar:

NM_000038.6(APC):c.1073A>C (p.Gln358Pro)

Gene: APC (APC regulator of Wnt signaling pathway; plus strand). Cytogenetic location: 5q22.2.
Variant type: single nucleotide variant.
Coding change: c.1073A>C on transcript NM_000038.6 (MANE Select); coding-DNA position 1073, A replaced by C.
Protein change: p.Gln358Pro; replaces glutamine 358 with proline.
Molecular consequence: missense variant. On other transcripts: intron variant (4).
Genome position (GRCh38, 1-based): chr5:112,819,105, A>C. VCF-style: chr5-112819105-A-C. GRCh37 (hg19) VCF-style: chr5-112154802-A-C.
Other names: c.1073A>C, p.Gln358Pro (NM_001127510.3, NM_001354895.2, NM_001354896.2); c.1019A>C, p.Gln340Pro (NM_001127511.3); c.1103A>C, p.Gln368Pro (NM_001354897.2); c.998A>C, p.Gln333Pro (NM_001354898.2); c.989A>C, p.Gln330Pro (NM_001354899.2); c.896A>C, p.Gln299Pro (NM_001354900.2, NM_001354901.2); c.224A>C, p.Gln75Pro (NM_001354906.2); c.964-164A>C (NM_001354902.2); and 3 more; short protein forms Q333P, Q358P, Q368P, Q330P, Q299P, Q340P, Q75P.
Identifiers: ClinVar variation 919806 (VCV000919806.4), dbSNP rs1064793508, ClinGen allele CA16023657.
Genomic context (GRCh38, chr5:112,819,105, plus strand): 5'-CTAGCTCCCAAGACAGCTGTATATCCATGCGACAGTCTGGATGTCTTCCTCTCCTCATCC[A>C]GCTTTTACATGGCAATGACAAAGACTCTGTATTGTTGGGAAATTCCCGGGGCAGTAAAGA-3'
Protein context (NP_000029.2, residues 348-368): RQSGCLPLLI[Gln358Pro]LLHGNDKDSV

ClinVar aggregate classification (germline): Uncertain significance (1 of 4 stars; one submission).

Conditions:
Hereditary cancer-predisposing syndrome. Also called: Neoplastic Syndromes, Hereditary; Tumor predisposition; Hereditary Cancer Syndrome; Hereditary neoplastic syndrome. Identifiers: Orphanet 140162, MedGen C0027672, MeSH D009386, MONDO:0015356.

Submission:

Color Diagnostics, LLC DBA Color Health
Classification: Uncertain significance for Hereditary cancer-predisposing syndrome. Last evaluated: 2023-12-04. Review status: criteria provided, single submitter. Criteria: ACMG Guidelines, 2015. Collection method: clinical testing. Allele origin: germline.
Comment: This missense variant replaces glutamine with proline at codon 358 of the APC protein. Computational prediction is inconclusive regarding the impact of this variant on protein structure and function (internally defined REVEL score threshold 0.5 < inconclusive < 0.7, PMID: 27666373). To our knowledge, functional studies have not been reported for this variant. This variant has not been reported in individuals affected with APC-related disorders in the literature. This variant has not been identified in the general population by the Genome Aggregation Database (gnomAD). The available evidence is insufficient to determine the role of this variant in disease conclusively. Therefore, this variant is classified as a Variant of Uncertain Significance.